The following is an entry in ClinVar:

ClinVar aggregate classification (germline): Uncertain significance (1 of 4 stars; one submission).

Conditions:
Walker-Warburg congenital muscular dystrophy. Also called: Muscular dystrophy-dystroglycanopathy, type A; Walker-Warburg syndrome. Identifiers: Orphanet 899, MedGen C0265221, MONDO:0000171.

Submission:

Labcorp Genetics (formerly Invitae), Labcorp
Classification: Uncertain significance for Walker-Warburg congenital muscular dystrophy. Last evaluated: 2025-08-23. Review status: criteria provided, single submitter. Criteria: Invitae Variant Classification Sherloc (09022015). Collection method: clinical testing. Allele origin: germline.
Comment: This sequence change replaces glutamine, which is neutral and polar, with proline, which is neutral and non-polar, at codon 308 of the FKTN protein (p.Gln308Pro). This variant is not present in population databases (gnomAD no frequency). This variant has not been reported in the literature in individuals affected with FKTN-related conditions. Invitae Evidence Modeling of protein sequence and biophysical properties (such as structural, functional, and spatial information, amino acid conservation, physicochemical variation, residue mobility, and thermodynamic stability) indicates that this missense variant is expected to disrupt FKTN protein function with a positive predictive value of 95%. In summary, the available evidence is currently insufficient to determine the role of this variant in disease. Therefore, it has been classified as a Variant of Uncertain Significance.

NM_001079802.2(FKTN):c.923A>C (p.Gln308Pro)

Gene: FKTN (fukutin; plus strand). Cytogenetic location: 9q31.2.
Variant type: single nucleotide variant.
Coding change: c.923A>C on transcript NM_001079802.2 (MANE Select); coding-DNA position 923, A replaced by C.
Protein change: p.Gln308Pro; replaces glutamine 308 with proline.
Molecular consequence: missense variant. On other transcripts: non-coding transcript variant (1).
Genome position (GRCh38, 1-based): chr9:105,617,971, A>C. VCF-style: chr9-105617971-A-C. GRCh37 (hg19) VCF-style: chr9-108380252-A-C.
Other names: c.923A>C, p.Gln308Pro (NM_001198963.2, NM_001351496.2, NM_001351498.2 and 1 more transcripts); c.854A>C, p.Gln285Pro (NM_001351497.2); c.527A>C, p.Gln176Pro (NM_001351499.2, NM_001351500.2, NM_001351501.2 and 1 more transcripts); short protein forms Q176P, Q285P, Q308P.
Identifiers: ClinVar variation 4811812 (VCV004811812.1).
Genomic context (GRCh38, chr9:105,617,971, plus strand): 5'-TTTTTTCCAAACCTAAATTTTGTTAAAAAAATTTAATCTTCTTTTTAGGATGGTATCGAC[A>C]ATGCAACATTATTCCTTATAGCAAAGATGTTGACCTAGGAATTTTTATACAAGATTACAA-3'
Protein context (NP_001073270.1, residues 298-318): SSGTCLGWYR[Gln308Pro]CNIIPYSKDV